The following is an entry in ClinVar:

NM_004304.5(ALK):c.3106A>G (p.Ile1036Val)

Gene: ALK (ALK receptor tyrosine kinase; minus strand). Cytogenetic location: 2p23.2.
Variant type: single nucleotide variant.
Coding change: c.3106A>G on transcript NM_004304.5 (MANE Select); coding-DNA position 3106, A replaced by G.
Protein change: p.Ile1036Val; replaces isoleucine 1036 with valine.
Molecular consequence: missense variant.
Genome position (GRCh38, 1-based): chr2:29,225,527, T>C on the plus strand (A>G on the coding strand, the complement: ALK is on the minus strand). VCF-style: chr2-29225527-T-C. GRCh37 (hg19) VCF-style: chr2-29448393-T-C.
Other names: short protein forms I1036V.
Identifiers: ClinVar variation 1005283 (VCV001005283.8), dbSNP rs1663944530, ClinGen allele CA346466974.
Genomic context (GRCh38, chr2:29,225,527, plus strand): 5'-TGATGCCGGAGAAAGCCAGGACCAGGGCGGCCACGAGGGCAGAGGTCACCACAGAGAGGA[T>C]CAGCGAGAGTGGCAGGTGTGGCTCCGGGGTGGGTGACACTGGAAGACAGGTCCCACTGGG-3'
Protein context (NP_004295.2, residues 1026-1046): TPEPHLPLSL[Ile1036Val]LSVVTSALVA

ClinVar aggregate classification (germline): Uncertain significance. Review status: criteria provided, multiple submitters, no conflicts (2 of 4 stars). 2 submissions from 2 submitters: Uncertain significance (2). Last evaluated 2025-12-01.

Conditions:
Neuroblastoma, susceptibility to, 3. Also called: ALK-Related Neuroblastic Tumor Susceptibility. Identifiers: Orphanet 635, MedGen C2751681, MONDO:0013083, OMIM 613014.

Submissions (2):

Dasa
Classification: Uncertain significance. Last evaluated: 2025-12-01. Review status: criteria provided, single submitter. Criteria: DASA Assertion Criteria. Collection method: clinical testing. Allele origin: germline.
Comment: NM_004304.5(ALK):c.3106A>G (p.Ile1036Val) is a missense variant that results in the substitution of isoleucine with valine. This variant is absent from population databases. The currently available literature and clinical evidence are not sufficient to establish a definitive association between this variant and the reported condition. Therefore, this variant is classified as a variant of uncertain significance.

Labcorp Genetics (formerly Invitae), Labcorp
Classification: Uncertain significance for Neuroblastoma, susceptibility to, 3. Last evaluated: 2024-11-11. Review status: criteria provided, single submitter. Criteria: Invitae Variant Classification Sherloc (09022015). Collection method: clinical testing. Allele origin: germline.
Comment: This sequence change replaces isoleucine, which is neutral and non-polar, with valine, which is neutral and non-polar, at codon 1036 of the ALK protein (p.Ile1036Val). This variant is not present in population databases (gnomAD no frequency). This variant has not been reported in the literature in individuals affected with ALK-related conditions. ClinVar contains an entry for this variant (Variation ID: 1005283). An algorithm developed to predict the effect of missense changes on protein structure and function outputs the following: PolyPhen-2: "Benign". The valine amino acid residue is found in multiple mammalian species, which suggests that this missense change does not adversely affect protein function. In summary, the available evidence is currently insufficient to determine the role of this variant in disease. Therefore, it has been classified as a Variant of Uncertain Significance.